The following is an entry in ClinVar:

ClinVar aggregate classification (germline): Uncertain significance (1 of 4 stars; one submission).

Conditions:
PCNT-related disorder. Also called: PCNT-related condition.

Submission:

PreventionGenetics, part of Exact Sciences
Classification: Uncertain significance for PCNT-related condition. Last evaluated: 2026-09-25. Review status: criteria provided, single submitter. Criteria: ACMG Guidelines, 2015. Collection method: clinical testing. Allele origin: germline.
Comment: The PCNT c.9371A>G variant is predicted to result in the amino acid substitution p.Glu3124Gly. To our knowledge, this variant has not been reported in the literature or in a large population database (gnomAD), indicating this variant is rare. At this time, the clinical significance of this variant is uncertain due to the absence of conclusive functional and genetic evidence.

NM_006031.6(PCNT):c.9371A>G (p.Glu3124Gly)

Gene: PCNT (pericentrin; plus strand). Cytogenetic location: 21q22.3.
Variant type: single nucleotide variant.
Coding change: c.9371A>G on transcript NM_006031.6 (MANE Select); coding-DNA position 9371, A replaced by G.
Protein change: p.Glu3124Gly; replaces glutamic acid 3124 with glycine.
Molecular consequence: missense variant.
Genome position (GRCh38, 1-based): chr21:46,440,180, A>G. VCF-style: chr21-46440180-A-G. GRCh37 (hg19) VCF-style: chr21-47860093-A-G.
Other names: c.8780A>G, p.Glu2927Gly (NM_001315529.2); short protein forms E2927G, E3124G.
Identifiers: ClinVar variation 4993402 (VCV004993402.1).